The following is an entry in ClinVar:

NM_172107.4(KCNQ2):c.1302-11C>T

Gene: KCNQ2 (potassium voltage-gated channel subfamily Q member 2; minus strand). Cytogenetic location: 20q13.33.
Variant type: single nucleotide variant.
Coding change: c.1302-11C>T on transcript NM_172107.4 (MANE Select); 11 bases into the intron before coding-DNA position 1302, C replaced by T.
Molecular consequence: intron variant.
Genome position (GRCh38, 1-based): chr20:63,415,137, G>A on the plus strand (C>T on the coding strand, the complement: KCNQ2 is on the minus strand). VCF-style: chr20-63415137-G-A. GRCh37 (hg19) VCF-style: chr20-62046490-G-A.
Other names: c.1218-11C>T (NM_004518.6); c.1248-47C>T (NM_172108.5); c.1248-11C>T (NM_172106.3).
Identifiers: ClinVar variation 138022 (VCV000138022.11), dbSNP rs371007020, ClinGen allele CA291794.

ClinVar aggregate classification (germline): Benign/Likely benign. Review status: criteria provided, multiple submitters, no conflicts (2 of 4 stars). 4 submissions from 4 submitters: Benign (3); Likely benign (1). Last evaluated 2025-12-22.

Conditions:
Early-infantile DEE. Also called: Ohtahara syndrome; Early infantile epileptic encephalopathy; Early infantile epileptic encephalopathy with suppression bursts. Identifiers: Orphanet 1934, MedGen C0393706, MONDO:0800491.

Allele frequency attached by ClinVar (database versions not stated): ESP Exome Variant Server 0.00023; TOPMed 0.00027.
gnomAD v4.1: 427 of 1,063,474 alleles (0.04%); highest among the groups gnomAD compares: Middle Eastern, 0.19%; no homozygotes.

Submissions (4):

Labcorp Genetics (formerly Invitae), Labcorp
Classification: Benign for Early-infantile DEE. Last evaluated: 2025-12-22. Review status: criteria provided, single submitter. Criteria: Invitae Variant Classification Sherloc (09022015). Collection method: clinical testing. Allele origin: germline.

Blueprint Genetics
Classification: Likely benign. Last evaluated: 2024-05-20. Review status: criteria provided, single submitter. Criteria: ACMG Guidelines, 2015. Collection method: clinical testing. Allele origin: germline.

GeneDx
Classification: Benign. Last evaluated: 2013-09-27. Review status: criteria provided, single submitter. Criteria: GeneDx Variant Classification (06012015). Collection method: clinical testing. Allele origin: germline. Affected: yes.
Comment: This variant is considered likely benign or benign based on one or more of the following criteria: it is a conservative change, it occurs at a poorly conserved position in the protein, it is predicted to be benign by multiple in silico algorithms, and/or has population frequency not consistent with disease.

Breakthrough Genomics
Classification: Benign. Review status: criteria provided, single submitter. Criteria: ACMG Guidelines, 2015. Collection method: not provided. Allele origin: germline. Inheritance: Autosomal dominant inheritance. Affected: yes.